The following is an entry in ClinVar:

NM_020738.4(KIDINS220):c.1635T>C (p.Phe545=)

Gene: KIDINS220 (kinase D interacting substrate 220; minus strand). Cytogenetic location: 2p25.1.
Variant type: single nucleotide variant.
Coding change: c.1635T>C on transcript NM_020738.4 (MANE Select); coding-DNA position 1635, T replaced by C.
Protein change: p.Phe545=; no amino-acid change (phenylalanine 545 retained).
Molecular consequence: synonymous variant. On other transcripts: non-coding transcript variant (2).
Genome position (GRCh38, 1-based): chr2:8,788,799, A>G on the plus strand (T>C on the coding strand, the complement: KIDINS220 is on the minus strand). VCF-style: chr2-8788799-A-G. GRCh37 (hg19) VCF-style: chr2-8928929-A-G.
Other names: c.1635T>C (NM_020738.2); c.1638T>C, p.Phe546= (NM_001348729.2, NM_001348731.2, NM_001348734.2 and 3 more transcripts); c.1635T>C, p.Phe545= (NM_001348732.2, NM_001348735.2, NM_001348738.2 and 3 more transcripts); c.1509T>C, p.Phe503= (NM_001348736.2).
Identifiers: ClinVar variation 3003592 (VCV003003592.4), dbSNP rs752899537, ClinGen allele CA424774690.

ClinVar aggregate classification (germline): Likely benign. Review status: criteria provided, single submitter (1 of 4 stars). 2 submissions from 2 submitters: Likely benign (1). 1 of the submissions does not count toward it. Last evaluated 2026-01-26.

Conditions:
KIDINS220-related disorder. Also called: KIDINS220-related condition.

Allele frequency attached by ClinVar (database versions not stated): TOPMed below 0.00001.

Submissions (2):

Labcorp Genetics (formerly Invitae), Labcorp
Classification: Likely benign. Last evaluated: 2026-01-26. Review status: criteria provided, single submitter. Criteria: Invitae Variant Classification Sherloc (09022015). Collection method: clinical testing. Allele origin: germline.

PreventionGenetics, part of Exact Sciences
Classification: Likely benign for KIDINS220-related condition. Last evaluated: 2024-02-07. Review status: no assertion criteria provided. Collection method: clinical testing. Allele origin: germline. Not counted in ClinVar's aggregate classification.
Comment: This variant is classified as likely benign based on ACMG/AMP sequence variant interpretation guidelines (Richards et al. 2015 PMID: 25741868, with internal and published modifications).